The following is an entry in ClinVar:

NM_020937.4(FANCM):c.3478C>T (p.Pro1160Ser)

Gene: FANCM (FA complementation group M; plus strand). Cytogenetic location: 14q21.2.
Variant type: single nucleotide variant.
Coding change: c.3478C>T on transcript NM_020937.4 (MANE Select); coding-DNA position 3478, C replaced by T.
Protein change: p.Pro1160Ser; replaces proline 1160 with serine.
Molecular consequence: missense variant.
Genome position (GRCh38, 1-based): chr14:45,176,232, C>T. VCF-style: chr14-45176232-C-T. GRCh37 (hg19) VCF-style: chr14-45645435-C-T.
Other names: c.3400C>T, p.Pro1134Ser (NM_001308133.2); short protein forms P1160S, P1134S.
Identifiers: ClinVar variation 5036661 (VCV005036661.1).

ClinVar aggregate classification (germline): Uncertain significance (1 of 4 stars; one submission).

Conditions:
Inborn genetic diseases. Identifiers: MedGen C0950123, MeSH D030342.

Submission:

Ambry Genetics
Classification: Uncertain significance for Inborn genetic diseases. Last evaluated: 2026-08-03. Review status: criteria provided, single submitter. Criteria: Ambry Variant Classification Scheme 2023. Collection method: clinical testing. Allele origin: germline.
Comment: The p.P1160S variant (also known as c.3478C>T), located in coding exon 14 of the FANCM gene, results from a C to T substitution at nucleotide position 3478. The proline at codon 1160 is replaced by serine, an amino acid with similar properties. This amino acid position is conserved. In addition, this alteration is predicted to be tolerated by in silico analysis. Based on the available evidence, the clinical significance of this variant remains unclear.